The following is an entry in ClinVar:

ClinVar aggregate classification (germline): Uncertain significance. Review status: criteria provided, multiple submitters, no conflicts (2 of 4 stars). 2 submissions from 2 submitters: Uncertain significance (2). Last evaluated 2024-01-20.

Conditions:
Idiopathic generalized epilepsy. Also called: Generalised epilepsy; EIG. Identifiers: MedGen C0270850, MONDO:0005579, OMIM 600669.
Hyperaldosteronism, familial, type IV (HALD4). Also called: ALDOSTERONISM, PRIMARY, AND HYPERTENSION; FH IV. Identifiers: Orphanet 642671, MedGen C4310756, MONDO:0014875, OMIM 617027.
Epilepsy, childhood absence, susceptibility to, 6. Identifiers: Orphanet 64280, MedGen C2749872, MONDO:0012763, OMIM 611942.

Submissions (2):

Fulgent Genetics
Classification: Uncertain significance for Epilepsy, childhood absence, susceptibility to, 6; Hyperaldosteronism, familial, type IV. Last evaluated: 2024-01-20. Review status: criteria provided, single submitter. Criteria: ACMG Guidelines, 2015. Collection method: clinical testing. Allele origin: germline.

Labcorp Genetics (formerly Invitae), Labcorp
Classification: Uncertain significance for Idiopathic generalized epilepsy; Hyperaldosteronism, familial, type IV. Last evaluated: 2022-01-13. Review status: criteria provided, single submitter. Criteria: Invitae Variant Classification Sherloc (09022015). Collection method: clinical testing. Allele origin: germline.
Comment: In summary, the available evidence is currently insufficient to determine the role of this variant in disease. Therefore, it has been classified as a Variant of Uncertain Significance. Advanced modeling of protein sequence and biophysical properties (such as structural, functional, and spatial information, amino acid conservation, physicochemical variation, residue mobility, and thermodynamic stability) performed at Invitae indicates that this missense variant is not expected to disrupt CACNA1H protein function. This variant has not been reported in the literature in individuals affected with CACNA1H-related conditions. This variant is not present in population databases (gnomAD no frequency). This sequence change replaces methionine, which is neutral and non-polar, with isoleucine, which is neutral and non-polar, at codon 1924 of the CACNA1H protein (p.Met1924Ile).

NM_021098.3(CACNA1H):c.5772G>A (p.Met1924Ile)

Gene: CACNA1H (calcium voltage-gated channel subunit alpha1 H; plus strand). Cytogenetic location: 16p13.3.
Variant type: single nucleotide variant.
Coding change: c.5772G>A on transcript NM_021098.3 (MANE Select); coding-DNA position 5772, G replaced by A.
Protein change: p.Met1924Ile; replaces methionine 1924 with isoleucine.
Molecular consequence: missense variant.
Genome position (GRCh38, 1-based): chr16:1,218,536, G>A. VCF-style: chr16-1218536-G-A. GRCh37 (hg19) VCF-style: chr16-1268536-G-A.
Other names: c.5754G>A, p.Met1918Ile (NM_001005407.2); short protein forms M1918I, M1924I.
Identifiers: ClinVar variation 1374171 (VCV001374171.7), dbSNP rs931586782, ClinGen allele CA394147862.
Genomic context (GRCh38, chr16:1,218,536, plus strand): 5'-GAGTCCGGGCGCCAGGGACGCCCCAAACCTGGTTGCACGCAAGGTGTCCGTGTCCAGGAT[G>A]CTCTCGCTGCCCAACGACAGCTACATGTTCAGGCCCGTGGTGCCTGCCTCGGCGCCCCAC-3'
Protein context (NP_066921.2, residues 1914-1934): LVARKVSVSR[Met1924Ile]LSLPNDSYMF